The following is an entry in ClinVar:

NM_020894.4(UVSSA):c.909C>G (p.Tyr303Ter)

Gene: UVSSA (UV stimulated scaffold protein A; plus strand). Cytogenetic location: 4p16.3.
Variant type: single nucleotide variant.
Coding change: c.909C>G on transcript NM_020894.4 (MANE Select); coding-DNA position 909, C replaced by G.
Protein change: p.Tyr303Ter; replaces tyrosine 303 with a stop codon.
Molecular consequence: nonsense.
Genome position (GRCh38, 1-based): chr4:1,353,388, C>G. VCF-style: chr4-1353388-C-G. GRCh37 (hg19) VCF-style: chr4-1347176-C-G.
Other names: c.909C>G, p.Tyr303Ter (NM_001317934.2, NM_001317935.2); short protein forms Y303*.
Identifiers: ClinVar variation 4849428 (VCV004849428.1).

ClinVar aggregate classification (germline): Likely pathogenic (1 of 4 stars; one submission).

Conditions:
UV-sensitive syndrome 3 (UVSS3). Identifiers: Orphanet 178338, MedGen C3553328, MONDO:0013834, OMIM 614640.

Submission:

First Genomix Gene Laboratory, Genetic Diagnostics Department
Classification: Likely pathogenic for UV-sensitive syndrome 3. Last evaluated: 2025-05-30. Review status: criteria provided, single submitter. Criteria: ACMG Guidelines, 2015. Collection method: clinical testing. Allele origin: germline. Inheritance: Autosomal recessive inheritance. Affected: no. Observed: 1 variant allele.